The following is an entry in ClinVar:

NM_004646.4(NPHS1):c.2515C>T (p.Gln839Ter)

Gene: NPHS1 (NPHS1 adhesion molecule, nephrin; minus strand). Cytogenetic location: 19q13.12.
Variant type: single nucleotide variant.
Coding change: c.2515C>T on transcript NM_004646.4 (MANE Select); coding-DNA position 2515, C replaced by T.
Protein change: p.Gln839Ter; replaces glutamine 839 with a stop codon.
Molecular consequence: nonsense.
Genome position (GRCh38, 1-based): chr19:35,842,272, G>A on the plus strand (C>T on the coding strand, the complement: NPHS1 is on the minus strand). VCF-style: chr19-35842272-G-A. GRCh37 (hg19) VCF-style: chr19-36333174-G-A.
Other names: short protein forms Q839*.
Identifiers: ClinVar variation 3239957 (VCV003239957.2), dbSNP rs2513769229.
Genomic context (GRCh38, chr19:35,842,272, plus strand): 5'-CAGAACTGGTGCTGTCTCCAGCTGCAGCCACCTTAGTTAGGGGAGTGGGGTGCTCCACCT[G>A]GGGGGCAACTGGGAGGGGATGGGCAGTCAACATGAGCTATGTGGGAGACATGAGGGCTGT-3'

ClinVar aggregate classification (germline): Pathogenic/Likely pathogenic. Review status: criteria provided, multiple submitters, no conflicts (2 of 4 stars). 2 submissions from 2 submitters: Pathogenic (1); Likely pathogenic (1). Last evaluated 2024-03-02.

Conditions:
Finnish congenital nephrotic syndrome (NPHS1). Also called: NEPHROTIC SYNDROME, TYPE 1. Identifiers: Orphanet 839, MedGen C0403399, MONDO:0009732, OMIM 256300.

Submissions (2):

Baylor Genetics
Classification: Likely pathogenic for Finnish congenital nephrotic syndrome. Last evaluated: 2024-03-02. Review status: criteria provided, single submitter. Criteria: ACMG Guidelines, 2015. Collection method: clinical testing. Allele origin: unknown.

Myriad Genetics, Inc.
Classification: Pathogenic for Finnish congenital nephrotic syndrome. Last evaluated: 2023-11-18. Review status: criteria provided, single submitter. Criteria: Myriad Autosomal Dominant, Autosomal Recessive and X-Linked Classification Criteria (2023). Collection method: clinical testing. Allele origin: unknown.
Comment: NM_004646.3(NPHS1):c.2515C>T(Q839*) is expected to be pathogenic in the context of nephrotic syndrome, NPHS1-related. This variant is predicted to lead to an abnormal or absent protein product due to the creation of a premature termination codon in NPHS1, a gene where loss-of-function variants are known to be pathogenic. Please note: this variant was assessed in the context of healthy population screening.